The following is an entry in ClinVar:

ClinVar aggregate classification (germline): Uncertain significance (1 of 4 stars; one submission).

Conditions:
Dilated cardiomyopathy 1G (CMD1G). Identifiers: Orphanet 154, MedGen C1858763, MONDO:0011400, OMIM 604145.
Autosomal recessive limb-girdle muscular dystrophy type 2J (LGMDR10). Also called: Limb-girdle muscular dystrophy, type 2J; MUSCULAR DYSTROPHY, LIMB-GIRDLE, AUTOSOMAL RECESSIVE 10. Identifiers: Orphanet 140922, MedGen C1837342, MONDO:0012127, OMIM 608807.

Allele frequency attached by ClinVar (database versions not stated): gnomAD 0.00001; TOPMed 0.00001.
gnomAD v4.1: 1 of 1,613,424 alleles (0.000062%); highest among the groups gnomAD compares: African/African-American, 0.0013%; no homozygotes.

Submission:

Labcorp Genetics (formerly Invitae), Labcorp
Classification: Uncertain significance for Dilated cardiomyopathy 1G; Autosomal recessive limb-girdle muscular dystrophy type 2J. Last evaluated: 2023-05-17. Review status: criteria provided, single submitter. Criteria: Invitae Variant Classification Sherloc (09022015). Collection method: clinical testing. Allele origin: germline.
Comment: In summary, the available evidence is currently insufficient to determine the role of this variant in disease. Therefore, it has been classified as a Variant of Uncertain Significance. This variant is located in the M band of TTN (PMID: 25589632). Variants in this region may be relevant for neuromuscular disorders, but have not been definitively shown to cause cardiomyopathy (PMID: 23975875). Experimental studies and prediction algorithms are not available or were not evaluated, and the functional significance of this variant is currently unknown. ClinVar contains an entry for this variant (Variation ID: 1359176). This variant has not been reported in the literature in individuals affected with TTN-related conditions. This variant is present in population databases (no rsID available, gnomAD 0.01%). This sequence change replaces glycine, which is neutral and non-polar, with aspartic acid, which is acidic and polar, at codon 34415 of the TTN protein (p.Gly34415Asp).

Literature cited by the submitters: PubMed 25589632; PubMed 23975875.

NM_001267550.2(TTN):c.103244G>A (p.Gly34415Asp)

Genes: TTN (titin; minus strand), TTN-AS1 (TTN antisense RNA 1; plus strand). Cytogenetic location: 2q31.2.
Variant type: single nucleotide variant.
Coding change: c.103244G>A on transcript NM_001267550.2 (MANE Select); coding-DNA position 103244, G replaced by A.
Protein change: p.Gly34415Asp; replaces glycine 34415 with aspartic acid.
Molecular consequence: missense variant.
Genome position (GRCh38, 1-based): chr2:178,533,371, C>T on the plus strand (G>A on the coding strand, the complement: TTN is on the minus strand). VCF-style: chr2-178533371-C-T. GRCh37 (hg19) VCF-style: chr2-179398098-C-T.
Other names: c.98321G>A, p.Gly32774Asp (NM_001256850.1); c.76049G>A, p.Gly25350Asp (NM_003319.4); c.95540G>A, p.Gly31847Asp (NM_133378.4); c.76424G>A, p.Gly25475Asp (NM_133432.3); c.76625G>A, p.Gly25542Asp (NM_133437.4); short protein forms G25350D, G25542D, G31847D, G32774D, G25475D, G34415D.
Identifiers: ClinVar variation 1359176 (VCV001359176.8), dbSNP rs919270464, ClinGen allele CA60957440.